The following is an entry in ClinVar:

NM_003680.4(YARS1):c.566_567del (p.Arg189fs)

Gene: YARS1 (tyrosyl-tRNA synthetase 1; minus strand). Cytogenetic location: 1p35.1.
Variant type: Microsatellite.
Coding change: c.566_567del on transcript NM_003680.4 (MANE Select); coding-DNA positions 566 to 567, 2 bases deleted (GA; older notation c.566_567delGA).
Protein change: p.Arg189fs; shifts the reading frame from arginine 189.
Molecular consequence: frameshift variant.
Genome position (GRCh38, 1-based): chr1:32,797,787-32,797,788, TC deleted on the plus strand (GA on the coding strand, the reverse complement: YARS1 is on the minus strand); deleting any 2 consecutive bases within chr1:32,797,787-32,797,791 gives the same sequence; the c. name uses the placement nearest the transcript's 3' end. VCF-style (leftmost placement, unchanged base first): chr1-32797786-TTC-T. GRCh37 (hg19) VCF-style: chr1-33263387-TTC-T.
Other names: c.566_567delGA (NM_003680.3); short protein forms R189fs.
Identifiers: ClinVar variation 930432 (VCV000930432.3), dbSNP rs1653652616, ClinGen allele CA2473070892.

ClinVar aggregate classification (germline): Uncertain significance (1 of 4 stars; one submission).

Submission:

Centre for Mendelian Genomics, University Medical Centre Ljubljana
Classification: Uncertain significance. Last evaluated: 2019-04-03. Review status: criteria provided, single submitter. Criteria: ACMG Guidelines, 2015. Collection method: clinical testing. Allele origin: unknown. Affected: yes.
Comment: This variant was classified as: Uncertain significance. The available evidence favors the pathogenic nature of this variant, however the currently available data is insufficient to conclusively support its pathogenic nature. Thus this variant is classified as Uncertain significance - favor pathogenic. The following ACMG criteria were applied in classifying this variant: PM2.